The following is an entry in ClinVar:

ClinVar aggregate classification (germline): Likely pathogenic (1 of 4 stars; one submission).

Conditions:
Chilton-Okur-Chung neurodevelopmental syndrome (CHOCNS). Identifiers: MedGen C5677022, MONDO:0859239, OMIM 619841.

Submission:

ARUP Laboratories, Molecular Genetics and Genomics, ARUP Laboratories
Classification: Likely pathogenic for Chilton-Okur-Chung neurodevelopmental syndrome. Last evaluated: 2024-05-09. Review status: criteria provided, single submitter. Criteria: ARUP Molecular Germline Variant Investigation Process 2024. Collection method: clinical testing. Allele origin: germline.
Comment: The CDC42BPB c.2630T>C; p.Leu877Pro variant, to our knowledge, is not reported in the medical literature or gene specific databases. This variant is also absent from the Genome Aggregation Database (v2.1.1), indicating it is not a common polymorphism. Computational analyses are uncertain whether this variant is neutral or deleterious (REVEL: 0.502). This variant is located in a highly conserved region in which several other variants have been reported in individuals with Chilton-Okur-Chung neurodevelopmental syndrome (Chilton 2020). Based on available information, this variant is considered to be likely pathogenic. References: Chilton I et al. De novo heterozygous missense and loss-of-function variants in CDC42BPB are associated with a neurodevelopmental phenotype. Am J Med Genet A. 2020 May;182(5):962-973. PMID: 32031333.

NM_006035.4(CDC42BPB):c.2630T>C (p.Leu877Pro)

Gene: CDC42BPB (CDC42 binding protein kinase beta; minus strand). Cytogenetic location: 14q32.32.
Variant type: single nucleotide variant.
Coding change: c.2630T>C on transcript NM_006035.4 (MANE Select); coding-DNA position 2630, T replaced by C.
Protein change: p.Leu877Pro; replaces leucine 877 with proline.
Molecular consequence: missense variant.
Genome position (GRCh38, 1-based): chr14:102,964,598, A>G on the plus strand (T>C on the coding strand, the complement: CDC42BPB is on the minus strand). VCF-style: chr14-102964598-A-G. GRCh37 (hg19) VCF-style: chr14-103430935-A-G.
Other names: c.2630T>C, p.Leu877Pro (NM_001411054.1); short protein forms L877P.
Identifiers: ClinVar variation 3766608 (VCV003766608.1).
Genomic context (GRCh38, chr14:102,964,598, plus strand): 5'-AGCTCCTCCTGGACAAGCTGCTTGGCCCGGATCTCCGCCTCCAGGGCCGACTGCAGCTCC[A>G]GCCGCGCGGACATGTCCAGCTTCTGGCTGCGGCGCACCTTCCACAGCGGGTCCTTGAGAC-3'
Protein context (NP_006026.3, residues 867-887): RSQKLDMSAR[Leu877Pro]ELQSALEAEI